The following is an entry in ClinVar:

NM_001384732.1(CPLANE1):c.4080+27C>T

Gene: CPLANE1 (ciliogenesis and planar polarity effector complex subunit 1; minus strand). Cytogenetic location: 5p13.2.
Variant type: single nucleotide variant.
Coding change: c.4080+27C>T on transcript NM_001384732.1 (MANE Select); 27 bases into the intron after coding-DNA position 4080, C replaced by T.
Molecular consequence: intron variant.
Genome position (GRCh38, 1-based): chr5:37,187,387, G>A on the plus strand (C>T on the coding strand, the complement: CPLANE1 is on the minus strand). VCF-style: chr5-37187387-G-A. GRCh37 (hg19) VCF-style: chr5-37187489-G-A.
Other names: c.4080+27C>T (NM_023073.4).
Identifiers: ClinVar variation 158034 (VCV000158034.7), dbSNP rs78164677, ClinGen allele CA171434.

ClinVar aggregate classification (germline): Benign. Review status: criteria provided, multiple submitters, no conflicts (2 of 4 stars). 3 submissions from 3 submitters: Benign (2). 1 of the submissions does not count toward it. Last evaluated 2018-06-19.

Allele frequency attached by ClinVar (database versions not stated): gnomAD exomes 0.10430 and 0.12207; ExAC 0.12772; 1000 Genomes Project 0.14497; 1000 Genomes Project 30x 0.14772; ESP Exome Variant Server 0.15022; gnomAD 0.15111 and 0.15457; TOPMed 0.15467.
gnomAD v4.1: 170,626 of 1,562,424 alleles (11%); highest among the groups gnomAD compares: African/African-American, 24%; 10,424 homozygotes.

Submissions (3):

GeneDx
Classification: Benign. Last evaluated: 2018-06-19. Review status: criteria provided, single submitter. Criteria: GeneDx Variant Classification (06012015). Collection method: clinical testing. Allele origin: germline. Affected: yes.
Comment: This variant is considered likely benign or benign based on one or more of the following criteria: it is a conservative change, it occurs at a poorly conserved position in the protein, it is predicted to be benign by multiple in silico algorithms, and/or has population frequency not consistent with disease.

Breakthrough Genomics
Classification: Benign. Review status: criteria provided, single submitter. Criteria: ACMG Guidelines, 2015. Collection method: not provided. Allele origin: germline. Inheritance: Autosomal recessive inheritance. Affected: yes.

Genetic Services Laboratory, University of Chicago
Classification: Likely benign. Review status: no assertion criteria provided. Collection method: clinical testing. Allele origin: germline. Inheritance: Autosomal recessive inheritance. Not counted in ClinVar's aggregate classification.
Comment: Likely benign based on allele frequency in 1000 Genomes Project or ESP global frequency and its presence in a patient with a rare or unrelated disease phenotype. NOT Sanger confirmed